The following is an entry in ClinVar:

ClinVar aggregate classification (germline): Uncertain significance (1 of 4 stars; one submission).

Conditions:
Idiopathic Pulmonary Fibrosis. Also called: Idiopathic fibrosing alveolitis, chronic form; idiopathic fibrosing alveolitis. Identifiers: Orphanet 2032, MedGen C1800706, MeSH D054990, MONDO:0800504.
Dyskeratosis congenita, autosomal dominant 2. Identifiers: MedGen C3151443, MONDO:0013521, OMIM 613989.

Submission:

Labcorp Genetics (formerly Invitae), Labcorp
Classification: Uncertain significance for Dyskeratosis congenita, autosomal dominant 2; Idiopathic Pulmonary Fibrosis. Last evaluated: 2022-08-29. Review status: criteria provided, single submitter. Criteria: Invitae Variant Classification Sherloc (09022015). Collection method: clinical testing. Allele origin: germline.
Comment: This sequence change replaces aspartic acid, which is acidic and polar, with asparagine, which is neutral and polar, at codon 267 of the TERT protein (p.Asp267Asn). This variant is not present in population databases (gnomAD no frequency). This variant has not been reported in the literature in individuals affected with TERT-related conditions. ClinVar contains an entry for this variant (Variation ID: 1488705). Advanced modeling of protein sequence and biophysical properties (such as structural, functional, and spatial information, amino acid conservation, physicochemical variation, residue mobility, and thermodynamic stability) performed at Invitae indicates that this missense variant is not expected to disrupt TERT protein function. In summary, the available evidence is currently insufficient to determine the role of this variant in disease. Therefore, it has been classified as a Variant of Uncertain Significance.

NM_198253.3(TERT):c.799G>A (p.Asp267Asn)

Gene: TERT (telomerase reverse transcriptase; minus strand). Cytogenetic location: 5p15.33.
Variant type: single nucleotide variant.
Coding change: c.799G>A on transcript NM_198253.3 (MANE Select); coding-DNA position 799, G replaced by A.
Protein change: p.Asp267Asn; replaces aspartic acid 267 with asparagine.
Molecular consequence: missense variant. On other transcripts: non-coding transcript variant (2).
Genome position (GRCh38, 1-based): chr5:1,294,087, C>T on the plus strand (G>A on the coding strand, the complement: TERT is on the minus strand). VCF-style: chr5-1294087-C-T. GRCh37 (hg19) VCF-style: chr5-1294202-C-T.
Other names: c.799G>A, p.Asp267Asn (NM_001193376.3); short protein forms D267N.
Identifiers: ClinVar variation 1488705 (VCV001488705.3), dbSNP rs2126687735, ClinGen allele CA359056750.